The following is an entry in ClinVar:

NM_006214.4(PHYH):c.898A>G (p.Ile300Val)

Gene: PHYH (phytanoyl-CoA 2-hydroxylase; minus strand). Cytogenetic location: 10p13.
Variant type: single nucleotide variant.
Coding change: c.898A>G on transcript NM_006214.4 (MANE Select); coding-DNA position 898, A replaced by G.
Protein change: p.Ile300Val; replaces isoleucine 300 with valine.
Molecular consequence: missense variant.
Genome position (GRCh38, 1-based): chr10:13,281,041, T>C on the plus strand (A>G on the coding strand, the complement: PHYH is on the minus strand). VCF-style: chr10-13281041-T-C. GRCh37 (hg19) VCF-style: chr10-13323041-T-C.
Other names: c.598A>G, p.Ile200Val (NM_001037537.2, NM_001323080.2); c.904A>G, p.Ile302Val (NM_001323082.2); c.634A>G, p.Ile212Val (NM_001323083.2); c.604A>G, p.Ile202Val (NM_001323084.2); short protein forms I200V, I202V, I212V, I300V, I302V.
Identifiers: ClinVar variation 1054070 (VCV001054070.7), dbSNP rs1468367622, ClinGen allele CA376051387.

ClinVar aggregate classification (germline): Uncertain significance (1 of 4 stars; one submission).

Allele frequency attached by ClinVar (database versions not stated): gnomAD 0.00003; TOPMed 0.00002; gnomAD exomes below 0.00001.
gnomAD v4.1: 6 of 1,614,010 alleles (0.00037%); highest among the groups gnomAD compares: African/African-American, 0.008%; no homozygotes.

Submission:

Labcorp Genetics (formerly Invitae), Labcorp
Classification: Uncertain significance. Last evaluated: 2022-08-15. Review status: criteria provided, single submitter. Criteria: Invitae Variant Classification Sherloc (09022015). Collection method: clinical testing. Allele origin: germline.
Comment: This sequence change replaces isoleucine, which is neutral and non-polar, with valine, which is neutral and non-polar, at codon 300 of the PHYH protein (p.Ile300Val). This variant is present in population databases (no rsID available, gnomAD 0.01%). This variant has not been reported in the literature in individuals affected with PHYH-related conditions. ClinVar contains an entry for this variant (Variation ID: 1054070). Algorithms developed to predict the effect of missense changes on protein structure and function output the following: SIFT: "Tolerated"; PolyPhen-2: "Benign"; Align-GVGD: "Class C0". The valine amino acid residue is found in multiple mammalian species, which suggests that this missense change does not adversely affect protein function. In summary, the available evidence is currently insufficient to determine the role of this variant in disease. Therefore, it has been classified as a Variant of Uncertain Significance.